The following is an entry in ClinVar:

ClinVar aggregate classification (germline): Uncertain significance (1 of 4 stars; one submission).

Submission:

CeGaT Center for Human Genetics Tuebingen
Classification: Uncertain significance. Last evaluated: 2025-01-01. Review status: criteria provided, single submitter. Criteria: CeGaT Center For Human Genetics Tuebingen Variant Classification Criteria Version 2. Collection method: clinical testing. Allele origin: germline. Affected: yes. Observed: 1 variant allele.
Comment: TTN: PM2

NM_001267550.2(TTN):c.71360A>C (p.Lys23787Thr)

Genes: TTN (titin; minus strand), TTN-AS1 (TTN antisense RNA 1; plus strand). Cytogenetic location: 2q31.2.
Variant type: single nucleotide variant.
Coding change: c.71360A>C on transcript NM_001267550.2 (MANE Select); coding-DNA position 71360, A replaced by C.
Protein change: p.Lys23787Thr; replaces lysine 23787 with threonine.
Molecular consequence: missense variant.
Genome position (GRCh38, 1-based): chr2:178,574,772, T>G on the plus strand (A>C on the coding strand, the complement: TTN is on the minus strand). VCF-style: chr2-178574772-T-G. GRCh37 (hg19) VCF-style: chr2-179439499-T-G.
Other names: c.66437A>C, p.Lys22146Thr (NM_001256850.1); c.44165A>C, p.Lys14722Thr (NM_003319.4); c.63656A>C, p.Lys21219Thr (NM_133378.4); c.44540A>C, p.Lys14847Thr (NM_133432.3); c.44741A>C, p.Lys14914Thr (NM_133437.4); short protein forms K14722T, K14847T, K14914T, K21219T, K22146T, K23787T.
Identifiers: ClinVar variation 3772352 (VCV003772352.13).